The following is an entry in ClinVar:

NM_018117.12(WDR11):c.3404G>A (p.Gly1135Asp)

Gene: WDR11 (WD repeat domain 11; plus strand). Cytogenetic location: 10q26.12.
Variant type: single nucleotide variant.
Coding change: c.3404G>A on transcript NM_018117.12 (MANE Select); coding-DNA position 3404, G replaced by A.
Protein change: p.Gly1135Asp; replaces glycine 1135 with aspartic acid.
Molecular consequence: missense variant.
Genome position (GRCh38, 1-based): chr10:120,905,988, G>A. VCF-style: chr10-120905988-G-A. GRCh37 (hg19) VCF-style: chr10-122665500-G-A.
Other names: short protein forms G1135D.
Identifiers: ClinVar variation 1305128 (VCV001305128.5), dbSNP rs374809430, ClinGen allele CA5720314.

ClinVar aggregate classification (germline): Uncertain significance. Review status: criteria provided, multiple submitters, no conflicts (2 of 4 stars). 2 submissions from 2 submitters: Uncertain significance (2). Last evaluated 2023-02-16.

Allele frequency attached by ClinVar (database versions not stated): ExAC 0.00002; gnomAD 0.00002; gnomAD exomes 0.00002; TOPMed 0.00002; ESP Exome Variant Server 0.00008.
gnomAD v4.1: 43 of 1,613,920 alleles (0.0027%); highest among the groups gnomAD compares: Non-Finnish European, 0.0031%; no homozygotes.

Submissions (2):

Labcorp Genetics (formerly Invitae), Labcorp
Classification: Uncertain significance. Last evaluated: 2023-02-16. Review status: criteria provided, single submitter. Criteria: Invitae Variant Classification Sherloc (09022015). Collection method: clinical testing. Allele origin: germline.
Comment: This sequence change replaces glycine, which is neutral and non-polar, with aspartic acid, which is acidic and polar, at codon 1135 of the WDR11 protein (p.Gly1135Asp). This variant is present in population databases (rs374809430, gnomAD 0.007%). This variant has not been reported in the literature in individuals affected with WDR11-related conditions. ClinVar contains an entry for this variant (Variation ID: 1305128). An algorithm developed to predict the effect of missense changes on protein structure and function (PolyPhen-2) suggests that this variant is likely to be disruptive. Algorithms developed to predict the effect of sequence changes on RNA splicing suggest that this variant may create or strengthen a splice site. In summary, the available evidence is currently insufficient to determine the role of this variant in disease. Therefore, it has been classified as a Variant of Uncertain Significance.

GeneDx
Classification: Uncertain significance. Last evaluated: 2019-04-15. Review status: criteria provided, single submitter. Criteria: GeneDx Variant Classification Process June 2021. Collection method: clinical testing. Allele origin: germline. Affected: yes.
Comment: In silico analysis, which includes protein predictors and evolutionary conservation, supports a deleterious effect; Has not been previously published as pathogenic or benign to our knowledge